The following is an entry in ClinVar:

ClinVar aggregate classification (germline): Uncertain significance (1 of 4 stars; one submission).

Submission:

Labcorp Genetics (formerly Invitae), Labcorp
Classification: Uncertain significance. Last evaluated: 2024-04-09. Review status: criteria provided, single submitter. Criteria: Invitae Variant Classification Sherloc (09022015). Collection method: clinical testing. Allele origin: germline.
Comment: This sequence change replaces histidine, which is basic and polar, with glutamine, which is neutral and polar, at codon 9 of the HAND2 protein (p.His9Gln). The frequency data for this variant in the population databases is considered unreliable, as metrics indicate insufficient coverage at this position in the gnomAD database. This variant has not been reported in the literature in individuals affected with HAND2-related conditions. An algorithm developed to predict the effect of missense changes on protein structure and function (PolyPhen-2) suggests that this variant is likely to be disruptive. In summary, the available evidence is currently insufficient to determine the role of this variant in disease. Therefore, it has been classified as a Variant of Uncertain Significance.

NM_021973.3(HAND2):c.27C>G (p.His9Gln)

Genes: HAND2 (heart and neural crest derivatives expressed 2; minus strand), HAND2-AS1 (HAND2 antisense RNA 1; plus strand). Cytogenetic location: 4q34.1.
Variant type: single nucleotide variant.
Coding change: c.27C>G on transcript NM_021973.3 (MANE Select); coding-DNA position 27, C replaced by G.
Protein change: p.His9Gln; replaces histidine 9 with glutamine.
Molecular consequence: missense variant.
Genome position (GRCh38, 1-based): chr4:173,529,263, G>C on the plus strand (C>G on the coding strand, the complement: HAND2 is on the minus strand). VCF-style: chr4-173529263-G-C. GRCh37 (hg19) VCF-style: chr4-174450414-G-C.
Other names: short protein forms H9Q.
Identifiers: ClinVar variation 3696241 (VCV003696241.2).
Genomic context (GRCh38, chr4:173,529,263, plus strand): 5'-GGCGGCAGCTGCGGCGGCGGCGGCGGCAAACGGGTAGCCCTCGTGGTGCACCACCGGGTG[G>C]TGGGGAAAACCACCTACCAGACTCATTTCGCCCTCCGCGCCCCTCCACGCGCCCCAGCGT-3'
Protein context (NP_068808.1, residues 1-19): MSLVGGFP[His9Gln]HPVVHHEGYP